The following is an entry in ClinVar:

NM_001365999.1(SZT2):c.4474dup (p.Glu1492fs)

Gene: SZT2 (SZT2 subunit of KICSTOR complex; plus strand). Cytogenetic location: 1p34.2.
Variant type: Duplication.
Coding change: c.4474dup on transcript NM_001365999.1 (MANE Select); coding-DNA position 4474, one base duplicated (G; older notation c.4474dupG).
Protein change: p.Glu1492fs; shifts the reading frame from glutamic acid 1492.
Molecular consequence: frameshift variant.
Genome position (GRCh38, 1-based): chr1:43,430,383, G duplicated. VCF-style (leftmost placement, unchanged base first): chr1-43430382-A-AG. GRCh37 (hg19) VCF-style: chr1-43896053-A-AG.
Other names: c.4303dup, p.Glu1435fs (NM_015284.4); short protein forms E1435fs, E1492fs.
Identifiers: ClinVar variation 2015411 (VCV002015411.4), dbSNP rs2545826385, ClinGen allele CA2574342329.
Genomic context (GRCh38, chr1:43,430,382, plus strand): 5'-TCGGGACACAGTAGACAGAAAAATCAGTGACCTGGAGTTTTCAGAGGCTGAGCTTATGGG[A>AG]GAAGAAGGTATGTGGGCAAGTGAGTCAAGGTGGGGAAGGCTGGCTGCTTCACGCCGAGAT-3'

ClinVar aggregate classification (germline): Pathogenic (1 of 4 stars; one submission).

Allele frequency attached by ClinVar (database versions not stated): gnomAD exomes below 0.00001.

Submission:

Labcorp Genetics (formerly Invitae), Labcorp
Classification: Pathogenic. Last evaluated: 2023-02-27. Review status: criteria provided, single submitter. Criteria: Invitae Variant Classification Sherloc (09022015). Collection method: clinical testing. Allele origin: germline.
Comment: For these reasons, this variant has been classified as Pathogenic. ClinVar contains an entry for this variant (Variation ID: 2015411). This variant has not been reported in the literature in individuals affected with SZT2-related conditions. This variant is not present in population databases (gnomAD no frequency). This sequence change creates a premature translational stop signal (p.Glu1435Glyfs*13) in the SZT2 gene. It is expected to result in an absent or disrupted protein product. Loss-of-function variants in SZT2 are known to be pathogenic (PMID: 23932106, 27248490, 28556953).

Literature cited by the submitters: PubMed 23932106; PubMed 27248490; PubMed 28556953.